The following is an entry in ClinVar:

ClinVar aggregate classification (germline): Pathogenic (1 of 4 stars; one submission).

Conditions:
Hereditary cancer-predisposing syndrome. Also called: Hereditary neoplastic syndrome; Tumor predisposition; Neoplastic Syndromes, Hereditary; Hereditary Cancer Syndrome. Identifiers: Orphanet 140162, MedGen C0027672, MeSH D009386, MONDO:0015356.

Allele frequency attached by ClinVar (database versions not stated): gnomAD exomes below 0.00001.

Submission:

Labcorp Genetics (formerly Invitae), Labcorp
Classification: Pathogenic for Hereditary cancer-predisposing syndrome. Last evaluated: 2023-11-10. Review status: criteria provided, single submitter. Criteria: Invitae Variant Classification Sherloc (09022015). Collection method: clinical testing. Allele origin: germline.
Comment: This sequence change creates a premature translational stop signal (p.Ile505Metfs*5) in the RAD50 gene. It is expected to result in an absent or disrupted protein product. Loss-of-function variants in RAD50 are known to be pathogenic (PMID: 19409520). This variant is not present in population databases (gnomAD no frequency). This variant has not been reported in the literature in individuals affected with RAD50-related conditions. ClinVar contains an entry for this variant (Variation ID: 955020). Algorithms developed to predict the effect of sequence changes on RNA splicing suggest that this variant may disrupt the consensus splice site. For these reasons, this variant has been classified as Pathogenic.

Literature cited by the submitters: PubMed 19409520.

NM_005732.4(RAD50):c.1515_1516del (p.Ile505fs)

Gene: RAD50 (RAD50 double strand break repair protein; plus strand). Cytogenetic location: 5q31.1.
Variant type: Deletion.
Coding change: c.1515_1516del on transcript NM_005732.4 (MANE Select); coding-DNA positions 1515 to 1516, 2 bases deleted (AA; older notation c.1515_1516delAA).
Protein change: p.Ile505fs; shifts the reading frame from isoleucine 505.
Molecular consequence: frameshift variant.
Genome position (GRCh38, 1-based): chr5:132,591,286-132,591,287, AA deleted. VCF-style (leftmost placement, unchanged base first): chr5-132591285-TAA-T. GRCh37 (hg19) VCF-style: chr5-131926977-TAA-T.
Other names: short protein forms I505fs.
Identifiers: ClinVar variation 955020 (VCV000955020.8), dbSNP rs1750692557, ClinGen allele CA1139659060.